The following is an entry in ClinVar:

ClinVar aggregate classification (germline): Uncertain significance (1 of 4 stars; one submission).

Submission:

Labcorp Genetics (formerly Invitae), Labcorp
Classification: Uncertain significance. Last evaluated: 2020-03-03. Review status: criteria provided, single submitter. Criteria: Invitae Variant Classification Sherloc (09022015). Collection method: clinical testing. Allele origin: germline.
Comment: In summary, the available evidence is currently insufficient to determine the role of this variant in disease. Therefore, it has been classified as a Variant of Uncertain Significance. Algorithms developed to predict the effect of missense changes on protein structure and function (SIFT, PolyPhen-2, Align-GVGD) all suggest that this variant is likely to be disruptive, but these predictions have not been confirmed by published functional studies and their clinical significance is uncertain. This variant has not been reported in the literature in individuals with HK1-related conditions. This variant is not present in population databases (ExAC no frequency). This sequence change replaces proline with serine at codon 72 of the HK1 protein (p.Pro72Ser). The proline residue is highly conserved and there is a moderate physicochemical difference between proline and serine.

NM_000188.3(HK1):c.214C>T (p.Pro72Ser)

Gene: HK1 (hexokinase 1; plus strand). Cytogenetic location: 10q22.1.
Variant type: single nucleotide variant.
Coding change: c.214C>T on transcript NM_000188.3 (MANE Select); coding-DNA position 214, C replaced by T.
Protein change: p.Pro72Ser; replaces proline 72 with serine.
Molecular consequence: missense variant.
Genome position (GRCh38, 1-based): chr10:69,343,977, C>T. VCF-style: chr10-69343977-C-T. GRCh37 (hg19) VCF-style: chr10-71103733-C-T.
Other names: c.226C>T, p.Pro76Ser (NM_001322364.2, NM_001358263.1, NM_033497.3 and 1 more transcripts); c.319C>T, p.Pro107Ser (NM_001322365.2); c.130C>T, p.Pro44Ser (NM_001322366.1); c.214C>T, p.Pro72Ser (NM_001322367.1); c.211C>T, p.Pro71Ser (NM_033496.3); c.178C>T, p.Pro60Ser (NM_033500.2); short protein forms P107S, P44S, P60S, P71S, P72S, P76S.
Identifiers: ClinVar variation 1058057 (VCV001058057.9), dbSNP rs2132683401, ClinGen allele CA376907655.